The following is an entry in ClinVar:

ClinVar aggregate classification (germline): Likely benign (1 of 4 stars; one submission).

Submission:

Center for Genomic Medicine, Rigshospitalet, Copenhagen University Hospital
Classification: Likely benign. Last evaluated: 2025-12-29. Review status: criteria provided, single submitter. Criteria: ACMG Guidelines, 2015. Collection method: clinical testing. Allele origin: germline.
Comment: Classification criteria: BP4, BP7

NM_000179.3(MSH6):c.3647-35T>G

Gene: MSH6 (mutS homolog 6; plus strand). Cytogenetic location: 2p16.3.
Variant type: single nucleotide variant.
Coding change: c.3647-35T>G on transcript NM_000179.3 (MANE Select); 35 bases into the intron before coding-DNA position 3647, T replaced by G.
Molecular consequence: intron variant.
Genome position (GRCh38, 1-based): chr2:47,806,169, T>G. VCF-style: chr2-47806169-T-G. GRCh37 (hg19) VCF-style: chr2-48033308-T-G.
Other names: c.3647-35T>G (NM_001406809.1, NM_001406796.1, NM_001406808.1 and 1 more transcripts); c.2741-35T>G (NM_001406811.1, NM_001406814.1, NM_001281493.2 and 6 more transcripts); c.3350-35T>G (NM_001406805.1, NM_001406797.1, NM_001406801.1 and 10 more transcripts); c.3743-35T>G (NM_001406795.1, NM_001406802.1); c.3653-35T>G (NM_001406813.1); c.3122-35T>G (NM_001406807.1, NM_001406799.1, NM_001406806.1); c.3473-35T>G (NM_001406798.1); c.2783-35T>G (NM_001406803.1); and 7 more.
Identifiers: ClinVar variation 4539393 (VCV004539393.1).